The following is an entry in ClinVar:

NM_182931.3(KMT2E):c.4829del (p.Leu1610fs)

Gene: KMT2E (lysine methyltransferase 2E (inactive); plus strand). Cytogenetic location: 7q22.3.
Variant type: Deletion.
Coding change: c.4829del on transcript NM_182931.3 (MANE Select); coding-DNA position 4829, one base deleted (T; older notation c.4829delT).
Protein change: p.Leu1610fs; shifts the reading frame from leucine 1610.
Molecular consequence: frameshift variant.
Genome position (GRCh38, 1-based): chr7:105,112,585, T deleted; the last of 6 consecutive T bases (chr7:105,112,580-105,112,585); deleting any one gives the same sequence. VCF-style (leftmost placement, unchanged base first): chr7-105112579-AT-A. GRCh37 (hg19) VCF-style: chr7-104753026-AT-A.
Other names: c.4829del, p.Leu1610fs (NM_018682.4); short protein forms L1610fs.
Identifiers: ClinVar variation 805912 (VCV000805912.2), dbSNP rs1243172283, ClinGen allele CA915945401.
Genomic context (GRCh38, chr7:105,112,579, plus strand): 5'-AAGCACTTCCTGGCACCACAAGCCAGCAAACAGTTCCAGGACACCACGTGACTCCAGGGC[AT>A]TTTTTGCCCTCTCAGAACCCTACCATTCACCATCAAACTGCTGCTGCCGTAGTCCCCCCT-3'

ClinVar aggregate classification (germline): Uncertain significance (1 of 4 stars; one submission).

Submission:

Broad Center for Mendelian Genomics, Broad Institute of MIT and Harvard
Classification: Uncertain significance. Last evaluated: 2019-02-07. Review status: criteria provided, single submitter. Criteria: ACMG Guidelines, 2015. Collection method: research. Allele origin: de novo. Inheritance: Autosomal dominant inheritance. Affected: yes.
Comment: The p.Leu1610Phefs*259 variant in KMT2E has not been previously reported in individuals with intellectual disabilities or macrocephaly and was absent from large population studies. This variant is predicted to cause a frameshift, which alters the proteinâ€™s amino acid sequence beginning at position 1610 and leads to a premature termination codon 259 amino acids downstream. This alteration is then predicted to lead to a truncated or absent protein. This alteration is then predicted to lead to a truncated or absent protein. It is of note, that loss of function of the KMT2E gene in autosomal dominant disease has not yet been established based on the criteria laid out in Tayoun, 2018 (PMID: 30192042). In summary, while there is some suspicion for a pathogenic role, the clinical significance of this variant is uncertain.